The following is an entry in ClinVar:

ClinVar aggregate classification (germline): Uncertain significance (1 of 4 stars; one submission).

Submission:

Labcorp Genetics (formerly Invitae), Labcorp
Classification: Uncertain significance. Last evaluated: 2025-09-03. Review status: criteria provided, single submitter. Criteria: Invitae Variant Classification Sherloc (09022015). Collection method: clinical testing. Allele origin: germline.
Comment: This sequence change replaces valine, which is neutral and non-polar, with methionine, which is neutral and non-polar, at codon 416 of the LEMD3 protein (p.Val416Met). This variant is not present in population databases (gnomAD no frequency). This variant has not been reported in the literature in individuals affected with LEMD3-related conditions. Invitae Evidence Modeling of protein sequence and biophysical properties (such as structural, functional, and spatial information, amino acid conservation, physicochemical variation, residue mobility, and thermodynamic stability) indicates that this missense variant is not expected to disrupt LEMD3 protein function with a negative predictive value of 80%. In summary, the available evidence is currently insufficient to determine the role of this variant in disease. Therefore, it has been classified as a Variant of Uncertain Significance.

NM_014319.5(LEMD3):c.1246G>A (p.Val416Met)

Gene: LEMD3 (LEM domain containing 3; plus strand). Cytogenetic location: 12q14.3.
Variant type: single nucleotide variant.
Coding change: c.1246G>A on transcript NM_014319.5 (MANE Select); coding-DNA position 1246, G replaced by A.
Protein change: p.Val416Met; replaces valine 416 with methionine.
Molecular consequence: missense variant.
Genome position (GRCh38, 1-based): chr12:65,170,842, G>A. VCF-style: chr12-65170842-G-A. GRCh37 (hg19) VCF-style: chr12-65564622-G-A.
Other names: c.1246G>A, p.Val416Met (NM_001167614.2); short protein forms V416M.
Identifiers: ClinVar variation 4742488 (VCV004742488.1).